The following is an entry in ClinVar:

ClinVar aggregate classification (germline): Pathogenic. Review status: criteria provided, multiple submitters, no conflicts (2 of 4 stars). 2 submissions from 2 submitters: Pathogenic (2). Last evaluated 2024-11-19.

Conditions:
X-linked Alport syndrome (ATS1). Also called: COL4A5-Related Nephropathy; NEPHROPATHY AND DEAFNESS, X-LINKED. Identifiers: Orphanet 63, Orphanet 88917, MedGen C4746986, MONDO:0010520, OMIM 301050.

gnomAD v4.1: 1 of 1,208,856 alleles (0.000083%); highest among the groups gnomAD compares: East Asian, 0.003%; no homozygotes.

Submissions (2):

Labcorp Genetics (formerly Invitae), Labcorp
Classification: Pathogenic. Last evaluated: 2024-11-19. Review status: criteria provided, single submitter. Criteria: Invitae Variant Classification Sherloc (09022015). Collection method: clinical testing. Allele origin: germline.
Comment: This sequence change replaces glycine, which is neutral and non-polar, with aspartic acid, which is acidic and polar, at codon 594 of the COL4A5 protein (p.Gly594Asp). This variant is not present in population databases (gnomAD no frequency). This missense change has been observed in individuals with Alport syndrome (PMID: 24304881, 33040356, 37248651; internal data). Experimental studies and prediction algorithms are not available or were not evaluated, and the functional significance of this variant is currently unknown. This variant disrupts the p.Gly594 amino acid residue in COL4A5. Other variant(s) that disrupt this residue have been determined to be pathogenic (PMID: 11462238). This suggests that this residue is clinically significant, and that variants that disrupt this residue are likely to be disease-causing. For these reasons, this variant has been classified as Pathogenic.

Fulgent Genetics
Classification: Pathogenic for X-linked Alport syndrome. Last evaluated: 2024-04-23. Review status: criteria provided, single submitter. Criteria: ACMG Guidelines, 2015. Collection method: clinical testing. Allele origin: germline.

Literature cited by the submitters: PubMed 24304881 (cited by Labcorp Genetics (formerly Invitae), Labcorp); PubMed 33040356 (cited by Labcorp Genetics (formerly Invitae), Labcorp); PubMed 37248651 (cited by Labcorp Genetics (formerly Invitae), Labcorp); PubMed 11462238 (cited by Labcorp Genetics (formerly Invitae), Labcorp).

NM_033380.3(COL4A5):c.1781G>A (p.Gly594Asp)

Gene: COL4A5 (collagen type IV alpha 5 chain; plus strand). Cytogenetic location: Xq22.3.
Variant type: single nucleotide variant.
Coding change: c.1781G>A on transcript NM_033380.3 (MANE Select); coding-DNA position 1781, G replaced by A.
Protein change: p.Gly594Asp; replaces glycine 594 with aspartic acid.
Molecular consequence: missense variant.
Genome position (GRCh38, 1-based): chrX:108,598,703, G>A. VCF-style: chrX-108598703-G-A. GRCh37 (hg19) VCF-style: chrX-107841933-G-A.
Other names: c.1781G>A, p.Gly594Asp (NM_000495.5); short protein forms G594D.
Identifiers: ClinVar variation 3597906 (VCV003597906.3), dbSNP rs1569494267.